The following is an entry in ClinVar:

ClinVar aggregate classification (germline): Conflicting classifications of pathogenicity. Review status: criteria provided, conflicting classifications (1 of 4 stars). 3 submissions from 3 submitters: Uncertain significance (1); Likely benign (2). Last evaluated 2025-01-28.

Conditions:
Cardiovascular phenotype. Identifiers: MedGen CN230736.
Hypertrophic cardiomyopathy 14. Identifiers: MedGen C2750467, MONDO:0013197, OMIM 613251.
Cardiomyopathy (CMYO). Also called: Cardiomyopathies. Identifiers: Orphanet 167848, MedGen C0878544, MONDO:0004994, HP:0001638. Inheritance: Various modes of inheritance.

Allele frequency attached by ClinVar (database versions not stated): ExAC 0.00004; gnomAD 0.00002; ESP Exome Variant Server 0.00015; TOPMed below 0.00001.
gnomAD v4.1: 45 of 1,613,954 alleles (0.0028%); highest among the groups gnomAD compares: Admixed American, 0.0033%; no homozygotes.

Submissions (3):

Labcorp Genetics (formerly Invitae), Labcorp
Classification: Likely benign for Hypertrophic cardiomyopathy 14. Last evaluated: 2025-01-28. Review status: criteria provided, single submitter. Criteria: Invitae Variant Classification Sherloc (09022015). Collection method: clinical testing. Allele origin: germline.

Ambry Genetics
Classification: Uncertain significance for Cardiovascular phenotype. Last evaluated: 2023-03-01. Review status: criteria provided, single submitter. Criteria: Ambry Variant Classification Scheme 2023. Collection method: clinical testing. Allele origin: germline.
Comment: The c.354G>A variant (also known as p.S118S), located in coding exon 3 of the MYH6 gene, results from a G to A substitution at nucleotide position 354. This nucleotide substitution does not change the serine at codon 118. This nucleotide position is poorly conserved in available vertebrate species. In silico splice site analysis for this alteration is inconclusive. Since supporting evidence is limited at this time, the clinical significance of this alteration remains unclear.

CHEO Genetics Diagnostic Laboratory, Children's Hospital of Eastern Ontario
Classification: Likely benign for Cardiomyopathy. Last evaluated: 2018-10-29. Review status: criteria provided, single submitter. Criteria: ACMG Guidelines, 2015. Collection method: clinical testing. Allele origin: germline.

NM_002471.4(MYH6):c.354G>A (p.Ser118=)

Genes: MYH6 (myosin heavy chain 6; minus strand), LOC114827851 (VISTA enhancer hs2155; plus strand). Cytogenetic location: 14q11.2.
Variant type: single nucleotide variant.
Coding change: c.354G>A on transcript NM_002471.4 (MANE Select); coding-DNA position 354, G replaced by A.
Protein change: p.Ser118=; no amino-acid change (serine 118 retained).
Molecular consequence: synonymous variant.
Genome position (GRCh38, 1-based): chr14:23,405,371, C>T on the plus strand (G>A on the coding strand, the complement: MYH6 is on the minus strand). VCF-style: chr14-23405371-C-T. GRCh37 (hg19) VCF-style: chr14-23874580-C-T.
Identifiers: ClinVar variation 915596 (VCV000915596.8), dbSNP rs373427673, ClinGen allele CA7116184.
Genomic context (GRCh38, chr14:23,405,371, plus strand): 5'-CACCTCGGCATTGTACACCGGCAGCCACTTGTAGGGGTTGACAGTGACACAGAAGAGGCC[C>T]GAGTAGGTCTGGAGCAGGAGACAAGGCTGGGCATGAGGTTGGTGGGGAGAGCCTGGGACA-3'
Protein context (NP_002462.2, residues 108-128): RYAAWMIYTY[Ser118=]GLFCVTVNPY